The following is an entry in ClinVar:

ClinVar aggregate classification (germline): Uncertain significance (1 of 4 stars; one submission).

Conditions:
Bethlem myopathy 1A. Also called: Bethlem myopathy 1; MYOPATHY, BENIGN CONGENITAL, WITH CONTRACTURES; Bethlem Muscular Dystrophy. Identifiers: Orphanet 610, MedGen CN029274, MONDO:0024530, OMIM 158810.

Allele frequency attached by ClinVar (database versions not stated): gnomAD exomes below 0.00001; gnomAD 0.00001.
gnomAD v4.1: 4 of 1,606,108 alleles (0.00025%); highest among the groups gnomAD compares: Non-Finnish European, 0.00034%; no homozygotes.

Submission:

Labcorp Genetics (formerly Invitae), Labcorp
Classification: Uncertain significance for Bethlem myopathy 1A. Last evaluated: 2023-07-26. Review status: criteria provided, single submitter. Criteria: Invitae Variant Classification Sherloc (09022015). Collection method: clinical testing. Allele origin: germline.
Comment: In summary, the available evidence is currently insufficient to determine the role of this variant in disease. Therefore, it has been classified as a Variant of Uncertain Significance. Advanced modeling of protein sequence and biophysical properties (such as structural, functional, and spatial information, amino acid conservation, physicochemical variation, residue mobility, and thermodynamic stability) performed at Invitae indicates that this missense variant is expected to disrupt COL6A2 protein function. This variant has not been reported in the literature in individuals affected with COL6A2-related conditions. This variant is present in population databases (no rsID available, gnomAD 0.007%). This sequence change replaces isoleucine, which is neutral and non-polar, with asparagine, which is neutral and polar, at codon 290 of the COL6A2 protein (p.Ile290Asn).

NM_001849.4(COL6A2):c.869T>A (p.Ile290Asn)

Gene: COL6A2 (collagen type VI alpha 2 chain; plus strand). Cytogenetic location: 21q22.3.
Variant type: single nucleotide variant.
Coding change: c.869T>A on transcript NM_001849.4 (MANE Select); coding-DNA position 869, T replaced by A.
Protein change: p.Ile290Asn; replaces isoleucine 290 with asparagine.
Molecular consequence: missense variant.
Genome position (GRCh38, 1-based): chr21:46,116,022, T>A. VCF-style: chr21-46116022-T-A. GRCh37 (hg19) VCF-style: chr21-47535936-T-A.
Other names: c.869T>A, p.Ile290Asn (NM_058174.3, NM_058175.3); short protein forms I290N.
Identifiers: ClinVar variation 2883251 (VCV002883251.3), dbSNP rs1349544991, ClinGen allele CA410525146.
Genomic context (GRCh38, chr21:46,116,022, plus strand): 5'-CCCAGCGCCCCAGGGCTGGGCTCACACTGCTGCGTTGTCCTTCACAGGGAGACCCGGGCA[T>A]CGAAGGCCCCATTGGATTCCCAGGACCCAAGGTGAGTGACCTCGGCCAGGGGCTTGGCTC-3'
Protein context (NP_001840.3, residues 280-300): GQKGRQGDPG[Ile290Asn]EGPIGFPGPK